The following is an entry in ClinVar:

NM_000277.3(PAH):c.969+9C>G

Gene: PAH (phenylalanine hydroxylase; minus strand). Cytogenetic location: 12q23.2.
Variant type: single nucleotide variant.
Coding change: c.969+9C>G on transcript NM_000277.3 (MANE Select); 9 bases into the intron after coding-DNA position 969, C replaced by G.
Molecular consequence: intron variant.
Genome position (GRCh38, 1-based): chr12:102,846,886, G>C on the plus strand (C>G on the coding strand, the complement: PAH is on the minus strand). VCF-style: chr12-102846886-G-C. GRCh37 (hg19) VCF-style: chr12-103240664-G-C.
Other names: c.969+9C>G (NM_001354304.2).
Identifiers: ClinVar variation 731884 (VCV000731884.8), dbSNP rs1448283369, ClinGen allele CA481330621.

ClinVar aggregate classification (germline): Likely benign. Review status: criteria provided, single submitter (1 of 4 stars). 2 submissions from 2 submitters: Likely benign (1). 1 of the submissions does not count toward it. Last evaluated 2023-12-04.

Conditions:
PAH-related disorder. Also called: PAH-related condition.
Phenylketonuria (PKU). Also called: Phenylketonuria (PKU); Phenylketonurias; FOLLING DISEASE; OLIGOPHRENIA PHENYLPYRUVICA. Identifiers: Orphanet 716, MedGen C0031485, MONDO:0009861, OMIM 261600. Disease mechanism: loss of function.

Allele frequency attached by ClinVar (database versions not stated): gnomAD exomes below 0.00001.
gnomAD v4.1: 1 of 1,611,896 alleles (0.000062%); highest among the groups gnomAD compares: Admixed American, 0.0017%; no homozygotes.

Submissions (2):

Labcorp Genetics (formerly Invitae), Labcorp
Classification: Likely benign for Phenylketonuria. Last evaluated: 2023-12-04. Review status: criteria provided, single submitter. Criteria: Invitae Variant Classification Sherloc (09022015). Collection method: clinical testing. Allele origin: germline.

PreventionGenetics, part of Exact Sciences
Classification: Likely benign for PAH-related condition. Last evaluated: 2019-11-12. Review status: no assertion criteria provided. Collection method: clinical testing. Allele origin: germline. Not counted in ClinVar's aggregate classification.
Comment: This variant is classified as likely benign based on ACMG/AMP sequence variant interpretation guidelines (Richards et al. 2015 PMID: 25741868, with internal and published modifications).